The following is an entry in ClinVar:

NM_014994.3(MAPKBP1):c.3636C>T (p.Gly1212=)

Gene: MAPKBP1 (mitogen-activated protein kinase binding protein 1; plus strand). Cytogenetic location: 15q15.1.
Variant type: single nucleotide variant.
Coding change: c.3636C>T on transcript NM_014994.3 (MANE Select); coding-DNA position 3636, C replaced by T.
Protein change: p.Gly1212=; no amino-acid change (glycine 1212 retained).
Molecular consequence: synonymous variant. On other transcripts: non-coding transcript variant (2), intron variant (1).
Genome position (GRCh38, 1-based): chr15:41,823,484, C>T. VCF-style: chr15-41823484-C-T. GRCh37 (hg19) VCF-style: chr15-42115682-C-T.
Other names: c.3654C>T, p.Gly1218= (NM_001128608.2); c.3382+478C>T (NM_001265611.2).
Identifiers: ClinVar variation 2049439 (VCV002049439.25), dbSNP rs148394675, ClinGen allele CA7498629.

ClinVar aggregate classification (germline): Benign/Likely benign. Review status: criteria provided, multiple submitters, no conflicts (2 of 4 stars). 2 submissions from 2 submitters: Benign (1); Likely benign (1). Last evaluated 2025-10-08.

Allele frequency attached by ClinVar (database versions not stated): ESP Exome Variant Server 0.00008; gnomAD exomes 0.00009; TOPMed 0.00017.
gnomAD v4.1: 171 of 1,613,750 alleles (0.011%); highest among the groups gnomAD compares: Middle Eastern, 0.033%; no homozygotes.

Submissions (3):

Labcorp Genetics (formerly Invitae), Labcorp
Classification: Benign. Last evaluated: 2025-10-08. Review status: criteria provided, single submitter. Criteria: Invitae Variant Classification Sherloc (09022015). Collection method: clinical testing. Allele origin: germline.

CeGaT Center for Human Genetics Tuebingen
Classification: Likely benign. Last evaluated: 2024-04-01. Review status: criteria provided, single submitter. Criteria: CeGaT Center For Human Genetics Tuebingen Variant Classification Criteria Version 2. Collection method: clinical testing. Allele origin: germline. Affected: yes. Observed: 1 variant allele.
Comment: MAPKBP1: BP4, BP7

Dr. Peter K. Rogan Lab, Western University
No classification provided (evidence only). Condition: Hepatocellular carcinoma. Review status: no classification provided. Collection method: in vitro. Allele origin: not applicable. Functional consequence: retained intron. Not counted in ClinVar's aggregate classification.